The following is an entry in ClinVar:

NM_001164508.2(NEB):c.1172A>G (p.Tyr391Cys)

Gene: NEB (nebulin; minus strand). Cytogenetic location: 2q23.3.
Variant type: single nucleotide variant.
Coding change: c.1172A>G on transcript NM_001164508.2 (MANE Select); coding-DNA position 1172, A replaced by G.
Protein change: p.Tyr391Cys; replaces tyrosine 391 with cysteine.
Molecular consequence: missense variant.
Genome position (GRCh38, 1-based): chr2:151,697,629, T>C on the plus strand (A>G on the coding strand, the complement: NEB is on the minus strand). VCF-style: chr2-151697629-T-C. GRCh37 (hg19) VCF-style: chr2-152554143-T-C.
Other names: c.1172A>G, p.Tyr391Cys (NM_001164507.2, NM_001271208.2, NM_004543.5); short protein forms Y391C.
Identifiers: ClinVar variation 4685286 (VCV004685286.1).
Genomic context (GRCh38, chr2:151,697,629, plus strand): 5'-GTATCGAGCTTGAATTTGGGGGTCTCGCAGTAATTTATGCTCTTTGCTTTTGTCTTTTCA[T>C]AGTTTTCCTTGTATAGTTTCTGTCAAAGAAAAAAAATTCAGTTAAAGTAGATTCCTGTCA-3'
Protein context (NP_001157980.2, residues 381-401): ALSDKLYKEN[Tyr391Cys]EKTKAKSINY

ClinVar aggregate classification (germline): Uncertain significance (1 of 4 stars; one submission).

gnomAD v4.1: 2 of 1,609,346 alleles (0.00012%); highest among the groups gnomAD compares: Non-Finnish European, 0.00017%; no homozygotes.

Submission:

GeneDx
Classification: Uncertain significance. Last evaluated: 2025-07-11. Review status: criteria provided, single submitter. Criteria: GeneDx Variant Classification Process June 2021. Collection method: clinical testing. Allele origin: germline. Affected: yes.
Comment: Not observed at significant frequency in large population cohorts (gnomAD); In silico analysis supports that this missense variant has a deleterious effect on protein structure/function; Has not been previously published as pathogenic or benign to our knowledge